The following is an entry in ClinVar:

ClinVar aggregate classification (germline): Uncertain significance (1 of 4 stars; one submission).

Conditions:
Charcot-Marie-Tooth disease type 1C. Also called: HMSN IC; CHARCOT-MARIE-TOOTH NEUROPATHY, TYPE 1C; NEUROPATHY, HEREDITARY MOTOR AND SENSORY, TYPE IC; CHARCOT-MARIE-TOOTH DISEASE, DEMYELINATING, TYPE 1C; CMT, SLOW NERVE CONDUCTION TYPE C; Charcot-Marie-Tooth disease, type IC. Identifiers: Orphanet 101083, MedGen C0270913, MONDO:0010995, OMIM 601098.

Submission:

Labcorp Genetics (formerly Invitae), Labcorp
Classification: Uncertain significance for Charcot-Marie-Tooth disease type 1C. Last evaluated: 2025-01-23. Review status: criteria provided, single submitter. Criteria: Invitae Variant Classification Sherloc (09022015). Collection method: clinical testing. Allele origin: germline.
Comment: This sequence change replaces proline, which is neutral and non-polar, with glutamine, which is neutral and polar, at codon 17 of the LITAF protein (p.Pro17Gln). This variant is not present in population databases (gnomAD no frequency). This variant has not been reported in the literature in individuals affected with LITAF-related conditions. An algorithm developed to predict the effect of missense changes on protein structure and function (PolyPhen-2) suggests that this variant is likely to be disruptive. In summary, the available evidence is currently insufficient to determine the role of this variant in disease. Therefore, it has been classified as a Variant of Uncertain Significance.

NM_001136472.2(LITAF):c.50C>A (p.Pro17Gln)

Gene: LITAF (lipopolysaccharide induced TNF factor; minus strand). Cytogenetic location: 16p13.13.
Variant type: single nucleotide variant.
Coding change: c.50C>A on transcript NM_001136472.2 (MANE Select); coding-DNA position 50, C replaced by A.
Protein change: p.Pro17Gln; replaces proline 17 with glutamine.
Molecular consequence: missense variant. On other transcripts: non-coding transcript variant (1).
Genome position (GRCh38, 1-based): chr16:11,556,681, G>T on the plus strand (C>A on the coding strand, the complement: LITAF is on the minus strand). VCF-style: chr16-11556681-G-T. GRCh37 (hg19) VCF-style: chr16-11650537-G-T.
Other names: c.50C>A, p.Pro17Gln (NM_001136473.1, NM_004862.4); short protein forms P17Q.
Identifiers: ClinVar variation 3674910 (VCV003674910.2).